The following is an entry in ClinVar:

NM_001278116.2(L1CAM):c.2857C>G (p.Leu953Val)

Gene: L1CAM (L1 cell adhesion molecule; minus strand). Cytogenetic location: Xq28.
Variant type: single nucleotide variant.
Coding change: c.2857C>G on transcript NM_001278116.2 (MANE Select); coding-DNA position 2857, C replaced by G.
Protein change: p.Leu953Val; replaces leucine 953 with valine.
Molecular consequence: missense variant.
Genome position (GRCh38, 1-based): chrX:153,865,103, G>C on the plus strand (C>G on the coding strand, the complement: L1CAM is on the minus strand). VCF-style: chrX-153865103-G-C. GRCh37 (hg19) VCF-style: chrX-153130558-G-C.
Other names: c.2857C>G, p.Leu953Val (NM_000425.5, NM_024003.3); c.2842C>G, p.Leu948Val (NM_001143963.2); short protein forms L948V, L953V.
Identifiers: ClinVar variation 1796896 (VCV001796896.2), dbSNP rs2520972012, ClinGen allele CA415114662.

ClinVar aggregate classification (germline): Uncertain significance (1 of 4 stars; one submission).

Conditions:
Inborn genetic diseases. Identifiers: MedGen C0950123, MeSH D030342.

Submission:

Ambry Genetics
Classification: Uncertain significance for Inborn genetic diseases. Last evaluated: 2018-11-12. Review status: criteria provided, single submitter. Criteria: Ambry Variant Classification Scheme 2023. Collection method: clinical testing. Allele origin: germline.
Comment: The p.L953V variant (also known as c.2857C>G), located in coding exon 21 of the L1CAM gene, results from a C to G substitution at nucleotide position 2857. The leucine at codon 953 is replaced by valine, an amino acid with highly similar properties. This amino acid position is highly conserved in available vertebrate species. In addition, this alteration is predicted to be tolerated by in silico analysis. An alteration at the same codon, p.L953R, has been reported in two related individuals with hydrocephalus (Kanemura Y et al. J. Neurosurg., 2006 Nov;105:403-12). Based on available evidence to date, the clinical significance of this alteration remains unclear.

Literature cited by the submitters: PubMed 17328266.